The following is an entry in ClinVar:

ClinVar aggregate classification (germline): Uncertain significance (1 of 4 stars; one submission).

Submission:

Women's Health and Genetics/Laboratory Corporation of America, LabCorp
Classification: Uncertain significance. Last evaluated: 2024-08-27. Review status: criteria provided, single submitter. Criteria: LabCorp Variant Classification Summary - May 2015. Collection method: clinical testing. Allele origin: germline.
Comment: Variant summary: The variant involves the duplication of exons 2-13 in the PPP1R13L gene. The exact breakpoint at the 5' end of this variant is unknown, therefore this duplication may extend upstream of the annotated region of this gene. It is predicted to duplicate a segment including the initiation codon, therefore its impact on the encoded protein is unknown. A presumed nomenclature of c.(-22+1_-21-1)_(*553_?)dup has been designated for the purposes of this classification. Similar variant allele was found at a frequency of 0.00055 in 21692 control chromosomes (gnomAD structural variants dataset). This frequency is not significantly higher than estimated for a pathogenic variant in PPP1R13L causing Arrhythmogenic Cardiomyopathy With Variable Ectodermal Abnormalities, allowing no conclusion about variant significance. To our knowledge, no occurrence of c.(-22+1_-21-1)_(*553_?)dup in individuals affected with Arrhythmogenic Cardiomyopathy With Variable Ectodermal Abnormalities and no experimental evidence demonstrating its impact on protein function have been reported. No submitters have cited clinical-significance assessments for this variant to ClinVar. Based on the evidence outlined above, the variant was classified as uncertain significance.

NC_000019.9:g.(?_45882895)_(45901598_45908256)dup

Gene: PPP1R13L (protein phosphatase 1 regulatory subunit 13 like; minus strand). Cytogenetic location: 19q13.32.
Variant type: Duplication.
Identifiers: ClinVar variation 3366565 (VCV003366565.1).